The following is an entry in ClinVar:

ClinVar aggregate classification (germline): Uncertain significance (1 of 4 stars; one submission).

Conditions:
Familial adenomatous polyposis 1 (FAP1). Also called: FAMILIAL ADENOMATOUS POLYPOSIS 1, ATTENUATED; POLYPOSIS, ADENOMATOUS INTESTINAL. Identifiers: MedGen C2713442, MONDO:0021056, OMIM 175100. Disease mechanism: loss of function.

Submission:

Labcorp Genetics (formerly Invitae), Labcorp
Classification: Uncertain significance for Familial adenomatous polyposis 1. Last evaluated: 2024-07-08. Review status: criteria provided, single submitter. Criteria: Invitae Variant Classification Sherloc (09022015). Collection method: clinical testing. Allele origin: germline.
Comment: This variant occurs in a non-coding region of the APC gene. It does not change the encoded amino acid sequence of the APC protein. This variant is not present in population databases (gnomAD no frequency). This variant has not been reported in the literature in individuals affected with APC-related conditions. In summary, the available evidence is currently insufficient to determine the role of this variant in disease. Therefore, it has been classified as a Variant of Uncertain Significance.

NC_000005.10:g.112707385G>T

Gene: APC (APC regulator of Wnt signaling pathway; plus strand). Cytogenetic location: 5q22.2.
Variant type: single nucleotide variant.
Genome position: GRCh38 VCF-style: chr5-112707385-G-T. GRCh37 (hg19) VCF-style: chr5-112043082-G-T.
Identifiers: ClinVar variation 3659026 (VCV003659026.2).